The following is an entry in ClinVar:

NM_001348323.3(TRIP12):c.1476A>G (p.Gln492=)

Gene: TRIP12 (thyroid hormone receptor interactor 12; minus strand). Cytogenetic location: 2q36.3.
Variant type: single nucleotide variant.
Coding change: c.1476A>G on transcript NM_001348323.3 (MANE Select); coding-DNA position 1476, A replaced by G.
Protein change: p.Gln492=; no amino-acid change (glutamine 492 retained).
Molecular consequence: synonymous variant.
Genome position (GRCh38, 1-based): chr2:229,818,487, T>C on the plus strand (A>G on the coding strand, the complement: TRIP12 is on the minus strand). VCF-style: chr2-229818487-T-C. GRCh37 (hg19) VCF-style: chr2-230683203-T-C.
Other names: c.1476A>G, p.Gln492= (NM_001284214.2, NM_001348315.2, NM_001348319.1 and 11 more transcripts); c.1350A>G, p.Gln450= (NM_001284215.2, NM_001348316.2, NM_001348317.1 and 2 more transcripts); c.441A>G, p.Gln147= (NM_001284216.2); c.1389A>G, p.Gln463= (NM_001348332.1); c.1332A>G, p.Gln444= (NM_004238.3); c.1476A>G (NM_001284214.1).
Identifiers: ClinVar variation 1675844 (VCV001675844.34), dbSNP rs201891008, ClinGen allele CA2153260.

ClinVar aggregate classification (germline): Benign/Likely benign. Review status: criteria provided, multiple submitters, no conflicts (2 of 4 stars). 3 submissions from 3 submitters: Benign (1); Likely benign (1). 1 of the submissions does not count toward it. Last evaluated 2024-10-04.

Conditions:
TRIP12-related disorder. Also called: TRIP12-related condition.

Allele frequency attached by ClinVar (database versions not stated): gnomAD 0.00001 and 0.00021; TOPMed 0.00003; gnomAD exomes 0.00036 and 0.00074; ExAC 0.00083; 1000 Genomes Project 0.00180; 1000 Genomes Project 30x 0.00187.
gnomAD v4.1: 569 of 1,614,142 alleles (0.035%); highest among the groups gnomAD compares: South Asian, 0.59%; 8 homozygotes.

Submissions (3):

Blueprint Genetics
Classification: Likely benign. Last evaluated: 2024-10-04. Review status: criteria provided, single submitter. Criteria: ACMG Guidelines, 2015. Collection method: clinical testing. Allele origin: germline.

CeGaT Center for Human Genetics Tuebingen
Classification: Benign. Last evaluated: 2022-03-01. Review status: criteria provided, single submitter. Criteria: CeGaT Center For Human Genetics Tuebingen Variant Classification Criteria Version 2. Collection method: clinical testing. Allele origin: germline. Affected: yes. Observed: 1 variant allele.
Comment: TRIP12: BS1, BS2

PreventionGenetics, part of Exact Sciences
Classification: Benign for TRIP12-related condition. Last evaluated: 2024-08-07. Review status: no assertion criteria provided. Collection method: clinical testing. Allele origin: germline. Not counted in ClinVar's aggregate classification.
Comment: This variant is classified as benign based on ACMG/AMP sequence variant interpretation guidelines (Richards et al. 2015 PMID: 25741868, with internal and published modifications).